The following is an entry in ClinVar:

NM_001371928.1(AHDC1):c.3881A>G (p.Lys1294Arg)

Gene: AHDC1 (AT-hook DNA binding motif containing 1; minus strand). Cytogenetic location: 1p36.11.
Variant type: single nucleotide variant.
Coding change: c.3881A>G on transcript NM_001371928.1 (MANE Select); coding-DNA position 3881, A replaced by G.
Protein change: p.Lys1294Arg; replaces lysine 1294 with arginine.
Molecular consequence: missense variant.
Genome position (GRCh38, 1-based): chr1:27,548,235, T>C on the plus strand (A>G on the coding strand, the complement: AHDC1 is on the minus strand). VCF-style: chr1-27548235-T-C. GRCh37 (hg19) VCF-style: chr1-27874746-T-C.
Other names: c.3881A>G, p.Lys1294Arg (NM_001029882.3); c.-163A>G (NM_015699.1); short protein forms K1294R.
Identifiers: ClinVar variation 1964990 (VCV001964990.5), dbSNP rs747569048, ClinGen allele CA715471.
Genomic context (GRCh38, chr1:27,548,235, plus strand): 5'-AGGCCGAGGTCAGGACTGTCCTGGAACAGTGGGTTGACTGGCTGTGGCTTGGGGATGAAC[T>C]TGGCTTTGGCCGCTGCGCCACCCCGCTCCTTCTTGGCTGAGCAGGCCCCACCGCCCCGTC-3'
Protein context (NP_001358857.1, residues 1284-1304): KERGGAAAKA[Lys1294Arg]FIPKPQPVNP

ClinVar aggregate classification (germline): Uncertain significance (1 of 4 stars; one submission).

Allele frequency attached by ClinVar (database versions not stated): gnomAD exomes 0.00001; TOPMed 0.00001; gnomAD 0.00002; ExAC 0.00006.
gnomAD v4.1: 22 of 1,612,776 alleles (0.0014%); highest among the groups gnomAD compares: Non-Finnish European, 0.0017%; no homozygotes.

Submission:

Labcorp Genetics (formerly Invitae), Labcorp
Classification: Uncertain significance. Last evaluated: 2022-12-06. Review status: criteria provided, single submitter. Criteria: Invitae Variant Classification Sherloc (09022015). Collection method: clinical testing. Allele origin: germline.
Comment: In summary, the available evidence is currently insufficient to determine the role of this variant in disease. Therefore, it has been classified as a Variant of Uncertain Significance. This variant has not been reported in the literature in individuals affected with AHDC1-related conditions. Algorithms developed to predict the effect of missense changes on protein structure and function are either unavailable or do not agree on the potential impact of this missense change (SIFT: "Deleterious"; PolyPhen-2: "Possibly Damaging"; Align-GVGD: "Class C0"). This sequence change replaces lysine, which is basic and polar, with arginine, which is basic and polar, at codon 1294 of the AHDC1 protein (p.Lys1294Arg). This variant is present in population databases (rs747569048, gnomAD 0.007%).